The following is an entry in ClinVar:

NM_198253.3(TERT):c.136G>T (p.Ala46Ser)

Genes: TERT (telomerase reverse transcriptase; minus strand), LOC110806263 (TERT 5' regulatory region; plus strand). Cytogenetic location: 5p15.33.
Variant type: single nucleotide variant.
Coding change: c.136G>T on transcript NM_198253.3 (MANE Select); coding-DNA position 136, G replaced by T.
Protein change: p.Ala46Ser; replaces alanine 46 with serine.
Molecular consequence: missense variant. On other transcripts: non-coding transcript variant (2).
Genome position (GRCh38, 1-based): chr5:1,294,854, C>A on the plus strand (G>T on the coding strand, the complement: TERT is on the minus strand). VCF-style: chr5-1294854-C-A. GRCh37 (hg19) VCF-style: chr5-1294969-C-A.
Other names: c.136G>T, p.Ala46Ser (NM_001193376.3); short protein forms A46S.
Identifiers: ClinVar variation 1413513 (VCV001413513.9), dbSNP rs1579599228, ClinGen allele CA359059112.

ClinVar aggregate classification (germline): Uncertain significance. Review status: criteria provided, multiple submitters, no conflicts (2 of 4 stars). 2 submissions from 2 submitters: Uncertain significance (2). Last evaluated 2022-07-25.

Conditions:
Idiopathic Pulmonary Fibrosis. Also called: Idiopathic fibrosing alveolitis, chronic form; idiopathic fibrosing alveolitis. Identifiers: Orphanet 2032, MedGen C1800706, MeSH D054990, MONDO:0800504.
Dyskeratosis congenita, autosomal dominant 2. Identifiers: MedGen C3151443, MONDO:0013521, OMIM 613989.
Dyskeratosis congenita. Identifiers: Orphanet 1775, MedGen C0265965, MONDO:0015780.

Allele frequency attached by ClinVar (database versions not stated): gnomAD exomes below 0.00001.
gnomAD v4.1: 2 of 1,456,864 alleles (0.00014%); highest among the groups gnomAD compares: Non-Finnish European, 0.00018%; no homozygotes.

Submissions (2):

Labcorp Genetics (formerly Invitae), Labcorp
Classification: Uncertain significance for Dyskeratosis congenita, autosomal dominant 2; Idiopathic Pulmonary Fibrosis. Last evaluated: 2022-07-25. Review status: criteria provided, single submitter. Criteria: Invitae Variant Classification Sherloc (09022015). Collection method: clinical testing. Allele origin: germline.
Comment: In summary, the available evidence is currently insufficient to determine the role of this variant in disease. Therefore, it has been classified as a Variant of Uncertain Significance. Algorithms developed to predict the effect of missense changes on protein structure and function are either unavailable or do not agree on the potential impact of this missense change (SIFT: "Tolerated"; PolyPhen-2: "Possibly Damaging"; Align-GVGD: "Class C0"). ClinVar contains an entry for this variant (Variation ID: 1413513). This variant has not been reported in the literature in individuals affected with TERT-related conditions. This variant is not present in population databases (gnomAD no frequency). This sequence change replaces alanine, which is neutral and non-polar, with serine, which is neutral and polar, at codon 46 of the TERT protein (p.Ala46Ser).

Sema4
Classification: Uncertain significance for Dyskeratosis congenita. Last evaluated: 2021-06-28. Review status: criteria provided, single submitter. Criteria: Sema4 Curation Guidelines. Collection method: curation. Allele origin: germline.
Comment: The TERT c.136G>T (p.A46S) variant has not been reported in the literature to our knowledge. It was not observed in the large and broad cohorts of the Genome Aggregation Database (PMID: 32461654), nor has it been reported in ClinVar. This variant involves a weakly conserved amino acid, and computational analyses do not provide strong support for or against an impact to the protein, though these predictions have not been confirmed by published functional studies. The evidence is insufficient to meet ACMG/AMP criteria for classifying the variant as benign or pathogenic. Thus, the clinical significance of this variant is currently uncertain.